The following is an entry in ClinVar:

ClinVar aggregate classification (germline): Uncertain significance (1 of 4 stars; one submission).

Conditions:
Combined oxidative phosphorylation defect type 27. Also called: Combined oxidative phosphorylation deficiency 27. Identifiers: Orphanet 477774, MedGen C5567608, MONDO:0014728, OMIM 616672.

Allele frequency attached by ClinVar (database versions not stated): gnomAD exomes below 0.00001; TOPMed below 0.00001.
gnomAD v4.1: 1 of 1,558,822 alleles (0.000064%); highest among the groups gnomAD compares: Non-Finnish European, 0.000087%; no homozygotes.

Submission:

Labcorp Genetics (formerly Invitae), Labcorp
Classification: Uncertain significance for Combined oxidative phosphorylation deficiency 27. Last evaluated: 2019-07-30. Review status: criteria provided, single submitter. Criteria: Invitae Variant Classification Sherloc (09022015). Collection method: clinical testing. Allele origin: germline.
Comment: This sequence change replaces serine with phenylalanine at codon 74 of the CARS2 protein (p.Ser74Phe). The serine residue is weakly conserved and there is a large physicochemical difference between serine and phenylalanine. The frequency data for this variant in the population databases is considered unreliable, as metrics indicate insufficient coverage at this position in the ExAC database. This variant has not been reported in the literature in individuals with CARS2-related conditions. Algorithms developed to predict the effect of missense changes on protein structure and function are either unavailable or do not agree on the potential impact of this missense change (SIFT: "Deleterious"; PolyPhen-2: "Benign"; Align-GVGD: "Class C0"). In summary, the available evidence is currently insufficient to determine the role of this variant in disease. Therefore, it has been classified as a Variant of Uncertain Significance.

NM_024537.4(CARS2):c.221C>T (p.Ser74Phe)

Gene: CARS2 (cysteinyl-tRNA synthetase 2, mitochondrial; minus strand). Cytogenetic location: 13q34.
Variant type: single nucleotide variant.
Coding change: c.221C>T on transcript NM_024537.4 (MANE Select); coding-DNA position 221, C replaced by T.
Protein change: p.Ser74Phe; replaces serine 74 with phenylalanine.
Molecular consequence: missense variant. On other transcripts: non-coding transcript variant (1), intron variant (1).
Genome position (GRCh38, 1-based): chr13:110,705,873, G>A on the plus strand (C>T on the coding strand, the complement: CARS2 is on the minus strand). VCF-style: chr13-110705873-G-A. GRCh37 (hg19) VCF-style: chr13-111358220-G-A.
Other names: c.221C>T, p.Ser74Phe (NM_001352253.3); c.-775-302C>T (NM_001352252.2); short protein forms S74F.
Identifiers: ClinVar variation 941454 (VCV000941454.1), dbSNP rs2063932913, ClinGen allele CA388743075.